The following is an entry in ClinVar:

NM_000071.3(CBS):c.452-1G>A

Gene: CBS (cystathionine beta-synthase; minus strand). Cytogenetic location: 21q22.3.
Variant type: single nucleotide variant.
Coding change: c.452-1G>A on transcript NM_000071.3 (MANE Select); the canonical splice acceptor site of the intron before coding-DNA position 452, G replaced by A.
Molecular consequence: splice acceptor variant.
Genome position (GRCh38, 1-based): chr21:43,065,696, C>T on the plus strand (G>A on the coding strand, the complement: CBS is on the minus strand). VCF-style: chr21-43065696-C-T. GRCh37 (hg19) VCF-style: chr21-44485806-C-T.
Other names: c.452-1G>A (NM_001320298.2, NM_001178009.3, NM_001178008.3); c.137-1G>A (NM_001321072.1).
Identifiers: ClinVar variation 2865815 (VCV002865815.3), dbSNP rs1323224189, ClinGen allele CA410601544.

ClinVar aggregate classification (germline): Likely pathogenic (1 of 4 stars; one submission).

Conditions:
HYPERHOMOCYSTEINEMIA, THROMBOTIC, CBS-RELATED. Identifiers: MedGen C3150344, OMIM 236200.

Submission:

Labcorp Genetics (formerly Invitae), Labcorp
Classification: Likely pathogenic for HYPERHOMOCYSTEINEMIA, THROMBOTIC, CBS-RELATED. Last evaluated: 2023-05-19. Review status: criteria provided, single submitter. Criteria: Invitae Variant Classification Sherloc (09022015). Collection method: clinical testing. Allele origin: germline.
Comment: In summary, the currently available evidence indicates that the variant is pathogenic, but additional data are needed to prove that conclusively. Therefore, this variant has been classified as Likely Pathogenic. Algorithms developed to predict the effect of sequence changes on RNA splicing suggest that this variant may disrupt the consensus splice site. This variant has not been reported in the literature in individuals affected with CBS-related conditions. This variant is not present in population databases (gnomAD no frequency). This sequence change affects an acceptor splice site in intron 5 of the CBS gene. It is expected to disrupt RNA splicing. Variants that disrupt the donor or acceptor splice site typically lead to a loss of protein function (PMID: 16199547), and loss-of-function variants in CBS are known to be pathogenic (PMID: 10338090, 12124992).

Literature cited by the submitters: PubMed 16199547; PubMed 10338090; PubMed 12124992.